The following is an entry in ClinVar:

ClinVar aggregate classification (germline): Likely benign (1 of 4 stars; one submission).

Submission:

CeGaT Center for Human Genetics Tuebingen
Classification: Likely benign. Last evaluated: 2026-04-01. Review status: criteria provided, single submitter. Criteria: CeGaT Center For Human Genetics Tuebingen Variant Classification Criteria Version 2. Collection method: clinical testing. Allele origin: germline. Affected: yes. Observed: 1 variant allele.
Comment: KLF18: PM2:Supporting, BP4, BP7

NM_001358438.1(KLF18):c.1296G>A (p.Gly432=)

Gene: KLF18 (KLF transcription factor 18; minus strand). Cytogenetic location: 1p34.1.
Variant type: single nucleotide variant.
Coding change: c.1296G>A on transcript NM_001358438.1 (MANE Select); coding-DNA position 1296, G replaced by A.
Protein change: p.Gly432=; no amino-acid change (glycine 432 retained).
Molecular consequence: synonymous variant.
Genome position (GRCh38, 1-based): chr1:44,140,336, C>T on the plus strand (G>A on the coding strand, the complement: KLF18 is on the minus strand). VCF-style: chr1-44140336-C-T. GRCh37 (hg19) VCF-style: chr1-44606008-C-T.
Identifiers: ClinVar variation 4873663 (VCV004873663.2).